The following is an entry in ClinVar:

NM_032492.4(JAGN1):c.184C>T (p.Leu62Phe)

Gene: JAGN1 (jagunal vesicle mediated transporter 1; plus strand). Cytogenetic location: 3p25.3.
Variant type: single nucleotide variant.
Coding change: c.184C>T on transcript NM_032492.4 (MANE Select); coding-DNA position 184, C replaced by T.
Protein change: p.Leu62Phe; replaces leucine 62 with phenylalanine.
Molecular consequence: missense variant.
Genome position (GRCh38, 1-based): chr3:9,893,009, C>T. VCF-style: chr3-9893009-C-T. GRCh37 (hg19) VCF-style: chr3-9934693-C-T.
Other names: c.22C>T, p.Leu8Phe (NM_001363890.1); short protein forms L62F, L8F.
Identifiers: ClinVar variation 1402910 (VCV001402910.8), dbSNP rs768937406, ClinGen allele CA2245837.
Genomic context (GRCh38, chr3:9,893,009, plus strand): 5'-TACGTACATCTGGTCATATGGCTGCTGCTGGTTGCTAAGATGAGCGTGGGACACCTGAGG[C>T]TCTTGTCACATGATCAGGTGGCCATGCCCTATCAGTGGGAATACCCGTATTTGCTGAGCA-3'
Protein context (NP_115881.3, residues 52-72): VAKMSVGHLR[Leu62Phe]LSHDQVAMPY

ClinVar aggregate classification (germline): Uncertain significance (1 of 4 stars; one submission).

Conditions:
Autosomal recessive severe congenital neutropenia due to JAGN1 deficiency. Also called: Severe congenital neutropenia 6, autosomal recessive. Identifiers: Orphanet 423384, MedGen C4014954, MONDO:0014456, OMIM 616022.

Allele frequency attached by ClinVar (database versions not stated): gnomAD exomes below 0.00001 and 0.00003; ExAC 0.00001; TOPMed 0.00002.

Submission:

Labcorp Genetics (formerly Invitae), Labcorp
Classification: Uncertain significance for Autosomal recessive severe congenital neutropenia due to JAGN1 deficiency. Last evaluated: 2024-02-17. Review status: criteria provided, single submitter. Criteria: Invitae Variant Classification Sherloc (09022015). Collection method: clinical testing. Allele origin: germline.
Comment: This sequence change replaces leucine, which is neutral and non-polar, with phenylalanine, which is neutral and non-polar, at codon 62 of the JAGN1 protein (p.Leu62Phe). This variant is present in population databases (rs768937406, gnomAD 0.04%). This variant has not been reported in the literature in individuals affected with JAGN1-related conditions. ClinVar contains an entry for this variant (Variation ID: 1402910). An algorithm developed to predict the effect of missense changes on protein structure and function (PolyPhen-2) suggests that this variant is likely to be tolerated. In summary, the available evidence is currently insufficient to determine the role of this variant in disease. Therefore, it has been classified as a Variant of Uncertain Significance.